The following is an entry in ClinVar:

ClinVar aggregate classification (germline): Uncertain significance (1 of 4 stars; one submission).

Conditions:
Seizures, benign familial neonatal, 1. Also called: Benign Neonatal Epilepsy 1; KCNQ2-Related Self-Limited Familial Neonatal Epilepsy (SLFNE); Seizures, benign neonatal, 1; KCNQ2-Related Benign Familial Neonatal Epilepsy. Identifiers: Orphanet 1949, MedGen C3149074, MONDO:0007365, OMIM 121200.
Developmental and epileptic encephalopathy, 7 (DEE7). Also called: Early infantile epileptic encephalopathy 7; KCNQ2-Related Neonatal-Onset Developmental and Epileptic Encephalopathy (NEO-DEE); KCNQ2-Related Neonatal Epileptic Encephalopathy. Identifiers: Orphanet 439218, MedGen C3150986, MONDO:0013387, OMIM 613720.

Submission:

Center for Genomics, Ann and Robert H. Lurie Children's Hospital of Chicago
Classification: Uncertain significance for Developmental and epileptic encephalopathy, 7; Seizures, benign familial neonatal, 1. Review status: criteria provided, single submitter. Criteria: ACMG Guidelines, 2015. Collection method: clinical testing. Allele origin: germline.
Comment: This variant has been reported in the literature in at least 1 individual with Lennox-Gastaut syndrome (Na 2020 PMID:32139178, Kim 2021 PMID:32917465). This variant is not present in large control databases. Evolutionary conservation and computational predictive tools suggest that this variant may impact the protein. Of note, other variants at this position have been reported in association with disease (p.Asn258Ser). In summary, data on this variant is suspicious for disease, but requires further evidence for pathogenicity. Therefore, the clinical significance of this variant is uncertain

NM_172107.4(KCNQ2):c.773A>T (p.Asn258Ile)

Gene: KCNQ2 (potassium voltage-gated channel subfamily Q member 2; minus strand). Cytogenetic location: 20q13.33.
Variant type: single nucleotide variant.
Coding change: c.773A>T on transcript NM_172107.4 (MANE Select); coding-DNA position 773, A replaced by T.
Protein change: p.Asn258Ile; replaces asparagine 258 with isoleucine.
Molecular consequence: missense variant.
Genome position (GRCh38, 1-based): chr20:63,442,449, T>A on the plus strand (A>T on the coding strand, the complement: KCNQ2 is on the minus strand). VCF-style: chr20-63442449-T-A. GRCh37 (hg19) VCF-style: chr20-62073802-T-A.
Other names: c.773A>T, p.Asn258Ile (NM_001382235.1, NM_004518.6, NM_172106.3 and 2 more transcripts); short protein forms N258I.
Identifiers: ClinVar variation 2500050 (VCV002500050.2), dbSNP rs118192207, ClinGen allele CA409653466.
Genomic context (GRCh38, chr20:63,442,449, plus strand): 5'-CAATGACCACAACTCACCAGGCCCCACCAGAGTGCATCCGCGTAGGTGTCAAAGTGGTCG[T>A]TCTCCCCCTTCTCTGCCAAGTACACCAGGAACGAGGCCAGGATGAGACAAAGGAAGCCGA-3'
Protein context (NP_742105.1, residues 248-268): FLVYLAEKGE[Asn258Ile]DHFDTYADAL